The following is an entry in ClinVar:

ClinVar aggregate classification (germline): Uncertain significance (1 of 4 stars; one submission).

Conditions:
Hereditary cancer-predisposing syndrome. Also called: Neoplastic Syndromes, Hereditary; Tumor predisposition; Hereditary Cancer Syndrome; Hereditary neoplastic syndrome. Identifiers: Orphanet 140162, MedGen C0027672, MeSH D009386, MONDO:0015356.

Submission:

Ambry Genetics
Classification: Uncertain significance for Hereditary cancer-predisposing syndrome. Last evaluated: 2018-08-22. Review status: criteria provided, single submitter. Criteria: Ambry Variant Classification Scheme 2023. Collection method: clinical testing. Allele origin: germline.
Comment: The p.I674T variant (also known as c.2021T>C), located in coding exon 18 of the MRE11A gene, results from a T to C substitution at nucleotide position 2021. The isoleucine at codon 674 is replaced by threonine, an amino acid with similar properties. This amino acid position is poorly conserved in available vertebrate species. In addition, this alteration is predicted to be tolerated by in silico analysis. Since supporting evidence is limited at this time, the clinical significance of this alteration remains unclear.

NM_005591.4(MRE11):c.2021T>C (p.Ile674Thr)

Gene: MRE11 (MRE11 double strand break repair nuclease; minus strand). Cytogenetic location: 11q21.
Variant type: single nucleotide variant.
Coding change: c.2021T>C on transcript NM_005591.4 (MANE Select); coding-DNA position 2021, T replaced by C.
Protein change: p.Ile674Thr; replaces isoleucine 674 with threonine.
Molecular consequence: missense variant.
Genome position (GRCh38, 1-based): chr11:94,429,960, A>G on the plus strand (T>C on the coding strand, the complement: MRE11 is on the minus strand). VCF-style: chr11-94429960-A-G. GRCh37 (hg19) VCF-style: chr11-94163126-A-G.
Other names: c.2018T>C, p.Ile673Thr (NM_001330347.2); c.1937T>C, p.Ile646Thr (NM_005590.4); short protein forms I646T, I673T, I674T.
Identifiers: ClinVar variation 820549 (VCV000820549.4), dbSNP rs1591633964, ClinGen allele CA382373531.